The following is an entry in ClinVar:

NM_004655.4(AXIN2):c.2394G>A (p.Lys798=)

Gene: AXIN2 (axin 2; minus strand). Cytogenetic location: 17q24.1.
Variant type: single nucleotide variant.
Coding change: c.2394G>A on transcript NM_004655.4 (MANE Select); coding-DNA position 2394, G replaced by A.
Protein change: p.Lys798=; no amino-acid change (lysine 798 retained).
Molecular consequence: synonymous variant.
Genome position (GRCh38, 1-based): chr17:65,533,923, C>T on the plus strand (G>A on the coding strand, the complement: AXIN2 is on the minus strand). VCF-style: chr17-65533923-C-T. GRCh37 (hg19) VCF-style: chr17-63530041-C-T.
Other names: c.2394G>A (LRG_296t1); c.2199G>A, p.Lys733= (NM_001363813.1).
Identifiers: ClinVar variation 240013 (VCV000240013.15), dbSNP rs878854726, ClinGen allele CA10583645.

ClinVar aggregate classification (germline): Benign/Likely benign. Review status: criteria provided, multiple submitters, no conflicts (2 of 4 stars). 4 submissions from 4 submitters: Benign (1); Likely benign (3). Last evaluated 2025-05-29.

Conditions:
Hereditary cancer-predisposing syndrome. Also called: Neoplastic Syndromes, Hereditary; Hereditary neoplastic syndrome; Tumor predisposition; Hereditary Cancer Syndrome. Identifiers: Orphanet 140162, MedGen C0027672, MeSH D009386, MONDO:0015356.
Oligodontia-cancer predisposition syndrome. Also called: TOOTH AGENESIS-COLORECTAL CANCER SYNDROME. Identifiers: Orphanet 300576, MedGen C1837750, MONDO:0012075, OMIM 608615. Disease mechanism: loss of function.

Allele frequency attached by ClinVar (database versions not stated): gnomAD exomes below 0.00001; gnomAD 0.00001; TOPMed 0.00001.
gnomAD v4.1: 6 of 1,613,944 alleles (0.00037%); highest among the groups gnomAD compares: Non-Finnish European, 0.00051%; no homozygotes.

Submissions (4):

Labcorp Genetics (formerly Invitae), Labcorp
Classification: Likely benign for Oligodontia-cancer predisposition syndrome. Last evaluated: 2025-05-29. Review status: criteria provided, single submitter. Criteria: Invitae Variant Classification Sherloc (09022015). Collection method: clinical testing. Allele origin: germline.

Myriad Genetics, Inc.
Classification: Benign for Oligodontia-cancer predisposition syndrome. Last evaluated: 2024-07-10. Review status: criteria provided, single submitter. Criteria: Myriad Autosomal Dominant, Autosomal Recessive and X-Linked Classification Criteria (2023). Collection method: clinical testing. Allele origin: unknown.
Comment: This variant is considered benign. This variant is a silent/synonymous amino acid change and it is not expected to impact splicing.

Ambry Genetics
Classification: Likely benign for Hereditary cancer-predisposing syndrome. Last evaluated: 2021-07-23. Review status: criteria provided, single submitter. Criteria: Ambry Variant Classification Scheme 2023. Collection method: clinical testing. Allele origin: germline.

GeneDx
Classification: Likely benign. Last evaluated: 2017-12-08. Review status: criteria provided, single submitter. Criteria: GeneDx Variant Classification (06012015). Collection method: clinical testing. Allele origin: germline. Affected: yes.
Comment: This variant is considered likely benign or benign based on one or more of the following criteria: it is a conservative change, it occurs at a poorly conserved position in the protein, it is predicted to be benign by multiple in silico algorithms, and/or has population frequency not consistent with disease.